The following is an entry in ClinVar:

NM_000372.5(TYR):c.1036+1G>A

Gene: TYR (tyrosinase; plus strand). Cytogenetic location: 11q14.3.
Variant type: single nucleotide variant.
Coding change: c.1036+1G>A on transcript NM_000372.5 (MANE Select); the canonical splice donor site of the intron after coding-DNA position 1036, G replaced by A.
Molecular consequence: splice donor variant.
Genome position (GRCh38, 1-based): chr11:89,191,419, G>A. VCF-style: chr11-89191419-G-A. GRCh37 (hg19) VCF-style: chr11-88924587-G-A.
Identifiers: ClinVar variation 1175803 (VCV001175803.48), dbSNP rs763715899, ClinGen allele CA6221286.

ClinVar aggregate classification (germline): Pathogenic/Likely pathogenic. Review status: criteria provided, multiple submitters, no conflicts (2 of 4 stars). 6 submissions from 6 submitters: Pathogenic (4); Likely pathogenic (2). Last evaluated 2025-01-01.

Conditions:
Oculocutaneous albinism type 1A (OCA1A). Also called: Albinism, oculocutaneous, type IA. Identifiers: Orphanet 352731, Orphanet 79431, MedGen C4551504, MONDO:0008745, OMIM 203100. Disease mechanism: loss of function.
Oculocutaneous albinism type 1B (OCA1B). Also called: ALBINISM, YELLOW MUTANT TYPE; ALBINISM, OCULOCUTANEOUS, TYPE IB; YELLOW ALBINISM. Identifiers: Orphanet 352731, Orphanet 352737, Orphanet 79434, MedGen C1847024, MONDO:0011749, OMIM 606952.
SKIN/HAIR/EYE PIGMENTATION 3, LIGHT/DARK SKIN (SHEP3). Also called: EYE COLOR 1; EYE COLOR, GREEN/BLUE; SKIN/HAIR/EYE PIGMENTATION 3, BLUE/GREEN EYE COLOR; SKIN/HAIR/EYE PIGMENTATION 3, FRECKLING; SKIN/HAIR/EYE PIGMENTATION, VARIATION IN, 3. Identifiers: MedGen C2677190, OMIM 601800.

Allele frequency attached by ClinVar (database versions not stated): gnomAD exomes below 0.00001 and 0.00001; ExAC 0.00002.
gnomAD v4.1: 2 of 1,612,360 alleles (0.00012%); highest among the groups gnomAD compares: Admixed American, 0.0017%; no homozygotes.

Submissions (6):

Laboratory of Genetic Epidemiology, Research Centre for Medical Genetics
Classification: Pathogenic for Oculocutaneous albinism type 1A; Oculocutaneous albinism type 1B. Last evaluated: 2025-01-01. Review status: criteria provided, single submitter. Criteria: ACMG Guidelines, 2015. Collection method: clinical testing. Allele origin: maternal. Inheritance: Autosomal recessive inheritance. Affected: yes. Observed: 1 compound heterozygote.
Comment: The splicing variant NM_000372.5:с.1036+1G>A, p.? was identified in a compound heterozygous state in two probands diagnosed with albinism. The variant is not listed in gnomAD v3.1.2. The variant leads to affect donor splicing site (donor loss with score 0.97 by SpliceAi predictor). Taken together, the variant meets the following ACMG/AMP criteria and can be classified as pathogenic with PM2, PVS1, PM3, PP4 criteria.

Fulgent Genetics
Classification: Likely pathogenic for Oculocutaneous albinism type 1A; SKIN/HAIR/EYE PIGMENTATION 3, LIGHT/DARK SKIN; Oculocutaneous albinism type 1B. Last evaluated: 2024-04-08. Review status: criteria provided, single submitter. Criteria: ACMG Guidelines, 2015. Collection method: clinical testing. Allele origin: germline.

Baylor Genetics
Classification: Likely pathogenic for SKIN/HAIR/EYE PIGMENTATION 3, LIGHT/DARK SKIN. Last evaluated: 2023-03-07. Review status: criteria provided, single submitter. Criteria: ACMG Guidelines, 2015. Collection method: clinical testing. Allele origin: unknown.

Labcorp Genetics (formerly Invitae), Labcorp
Classification: Pathogenic. Last evaluated: 2023-01-01. Review status: criteria provided, single submitter. Criteria: Invitae Variant Classification Sherloc (09022015). Collection method: clinical testing. Allele origin: germline.
Comment: For these reasons, this variant has been classified as Pathogenic. Algorithms developed to predict the effect of sequence changes on RNA splicing suggest that this variant may disrupt the consensus splice site. ClinVar contains an entry for this variant (Variation ID: 1175803). Disruption of this splice site has been observed in individual(s) with oculocutaneous albinism (PMID: 13680365, 32115698). In at least one individual the data is consistent with being in trans (on the opposite chromosome) from a pathogenic variant. This variant is present in population databases (rs763715899, gnomAD 0.003%). This sequence change affects a donor splice site in intron 2 of the TYR gene. It is expected to disrupt RNA splicing. Variants that disrupt the donor or acceptor splice site typically lead to a loss of protein function (PMID: 16199547), and loss-of-function variants in TYR are known to be pathogenic (PMID: 23504663).

Genome-Nilou Lab
Classification: Pathogenic for Oculocutaneous albinism type 1A. Last evaluated: 2021-07-22. Review status: criteria provided, single submitter. Criteria: ACMG Guidelines, 2015. Collection method: clinical testing. Allele origin: germline. Affected: no.

CeGaT Center for Human Genetics Tuebingen
Classification: Pathogenic. Last evaluated: 2021-04-01. Review status: criteria provided, single submitter. Criteria: CeGaT Center For Human Genetics Tuebingen Variant Classification Criteria Version 2. Collection method: clinical testing. Allele origin: germline. Affected: yes. Observed: 1 variant allele.

Literature cited by the submitters: PubMed 41428507 (cited by Laboratory of Genetic Epidemiology, Research Centre for Medical Genetics); PubMed 13680365 (cited by Labcorp Genetics (formerly Invitae), Labcorp); PubMed 32115698 (cited by Labcorp Genetics (formerly Invitae), Labcorp); PubMed 16199547 (cited by Labcorp Genetics (formerly Invitae), Labcorp); PubMed 23504663 (cited by Labcorp Genetics (formerly Invitae), Labcorp).